The following is an entry in ClinVar:

ClinVar aggregate classification (germline): Uncertain significance (1 of 4 stars; one submission).

Conditions:
Hereditary cancer-predisposing syndrome. Also called: Tumor predisposition; Hereditary neoplastic syndrome; Neoplastic Syndromes, Hereditary; Hereditary Cancer Syndrome. Identifiers: Orphanet 140162, MedGen C0027672, MeSH D009386, MONDO:0015356.

Submission:

Ambry Genetics
Classification: Uncertain significance for Hereditary cancer-predisposing syndrome. Last evaluated: 2025-06-06. Review status: criteria provided, single submitter. Criteria: Ambry Variant Classification Scheme 2023. Collection method: clinical testing. Allele origin: germline.
Comment: The p.N152Y variant (also known as c.454A>T), located in coding exon 2 of the BLM gene, results from an A to T substitution at nucleotide position 454. The asparagine at codon 152 is replaced by tyrosine, an amino acid with dissimilar properties. This amino acid position is conserved. In addition, this alteration is predicted to be tolerated by in silico analysis. Based on the available evidence, the clinical significance of this variant remains unclear.

NM_000057.4(BLM):c.454A>T (p.Asn152Tyr)

Gene: BLM (BLM RecQ like helicase; plus strand). Cytogenetic location: 15q26.1.
Variant type: single nucleotide variant.
Coding change: c.454A>T on transcript NM_000057.4 (MANE Select); coding-DNA position 454, A replaced by T.
Protein change: p.Asn152Tyr; replaces asparagine 152 with tyrosine.
Molecular consequence: missense variant. On other transcripts: 5 prime UTR variant (1).
Genome position (GRCh38, 1-based): chr15:90,749,722, A>T. VCF-style: chr15-90749722-A-T. GRCh37 (hg19) VCF-style: chr15-91292952-A-T.
Other names: c.454A>T, p.Asn152Tyr (NM_001287246.2, NM_001287247.2); c.-838A>T (NM_001287248.2); short protein forms N152Y.
Identifiers: ClinVar variation 3991689 (VCV003991689.1).